The following is an entry in ClinVar:

NM_000528.4(MAN2B1):c.1299T>A (p.Ser433Arg)

Gene: MAN2B1 (mannosidase alpha class 2B member 1; minus strand). Cytogenetic location: 19p13.13.
Variant type: single nucleotide variant.
Coding change: c.1299T>A on transcript NM_000528.4 (MANE Select); coding-DNA position 1299, T replaced by A.
Protein change: p.Ser433Arg; replaces serine 433 with arginine.
Molecular consequence: missense variant.
Genome position (GRCh38, 1-based): chr19:12,658,073, A>T on the plus strand (T>A on the coding strand, the complement: MAN2B1 is on the minus strand). VCF-style: chr19-12658073-A-T. GRCh37 (hg19) VCF-style: chr19-12768887-A-T.
Other names: c.1296T>A, p.Ser432Arg (NM_001173498.2); short protein forms S432R, S433R.
Identifiers: ClinVar variation 1985511 (VCV001985511.1), dbSNP rs2512503032, ClinGen allele CA404247305.

ClinVar aggregate classification (germline): Uncertain significance (1 of 4 stars; one submission).

Conditions:
Deficiency of alpha-mannosidase (MANSA). Also called: Mannosidosis, alpha-, types I and II; LYSOSOMAL ALPHA-D-MANNOSIDASE DEFICIENCY; Alpha-Mannosidosis. Identifiers: Orphanet 61, MedGen C0024748, MONDO:0009561, OMIM 248500.

Submission:

Labcorp Genetics (formerly Invitae), Labcorp
Classification: Uncertain significance for Deficiency of alpha-mannosidase. Last evaluated: 2022-08-08. Review status: criteria provided, single submitter. Criteria: Invitae Variant Classification Sherloc (09022015). Collection method: clinical testing. Allele origin: germline.
Comment: This sequence change replaces serine, which is neutral and polar, with arginine, which is basic and polar, at codon 433 of the MAN2B1 protein (p.Ser433Arg). This variant is not present in population databases (gnomAD no frequency). This variant has not been reported in the literature in individuals affected with MAN2B1-related conditions. Algorithms developed to predict the effect of missense changes on protein structure and function are either unavailable or do not agree on the potential impact of this missense change (SIFT: "Deleterious"; PolyPhen-2: "Probably Damaging"; Align-GVGD: "Class C0"). In summary, the available evidence is currently insufficient to determine the role of this variant in disease. Therefore, it has been classified as a Variant of Uncertain Significance.